The following is an entry in ClinVar:

NM_001384900.1(SEMA3D):c.2051T>G (p.Ile684Ser)

Genes: SEMA3D (semaphorin 3D; minus strand), LOC126860094 (BRD4-independent group 4 enhancer GRCh37_chr7:84628763-84629962; plus strand). Cytogenetic location: 7q21.11.
Variant type: single nucleotide variant.
Coding change: c.2051T>G on transcript NM_001384900.1 (MANE Select); coding-DNA position 2051, T replaced by G.
Protein change: p.Ile684Ser; replaces isoleucine 684 with serine.
Molecular consequence: missense variant.
Genome position (GRCh38, 1-based): chr7:84,999,723, A>C on the plus strand (T>G on the coding strand, the complement: SEMA3D is on the minus strand). VCF-style: chr7-84999723-A-C. GRCh37 (hg19) VCF-style: chr7-84629039-A-C.
Other names: c.2051T>G, p.Ile684Ser (NM_001384901.1, NM_001384902.1, NM_001384903.1 and 1 more transcripts); short protein forms I684S.
Identifiers: ClinVar variation 3357050 (VCV003357050.1).

ClinVar aggregate classification (germline): Uncertain significance (0 of 4 stars; one submission).

Conditions:
SEMA3D-related disorder. Also called: SEMA3D-related condition.

gnomAD v4.1: 6 of 1,613,866 alleles (0.00037%); highest among the groups gnomAD compares: Admixed American, 0.0067%; no homozygotes.

Submission:

PreventionGenetics, part of Exact Sciences
Classification: Uncertain significance for SEMA3D-related condition. Last evaluated: 2024-08-31. Review status: no assertion criteria provided. Collection method: clinical testing. Allele origin: germline.
Comment: The SEMA3D c.2051T>G variant is predicted to result in the amino acid substitution p.Ile684Ser. To our knowledge, this variant has not been reported in the literature. This variant is reported in 0.0058% of alleles in individuals of Latino descent in gnomAD. At this time, the clinical significance of this variant is uncertain due to the absence of conclusive functional and genetic evidence.